The following is an entry in ClinVar:

NM_031407.7(HUWE1):c.473del (p.Pro158fs)

Gene: HUWE1 (HECT, UBA and WWE domain containing E3 ubiquitin protein ligase 1; minus strand). Cytogenetic location: Xp11.22.
Variant type: Deletion.
Coding change: c.473del on transcript NM_031407.7 (MANE Select); coding-DNA position 473, one base deleted (C; older notation c.473delC).
Protein change: p.Pro158fs; shifts the reading frame from proline 158.
Molecular consequence: frameshift variant.
Genome position (GRCh38, 1-based): chrX:53,645,342, G deleted on the plus strand (C on the coding strand, the reverse complement: HUWE1 is on the minus strand); the first of 4 consecutive G bases (chrX:53,645,342-53,645,345); deleting any one gives the same sequence. VCF-style (leftmost placement, unchanged base first): chrX-53645341-CG-C. GRCh37 (hg19) VCF-style: chrX-53672293-CG-C.
Other names: short protein forms P158fs.
Identifiers: ClinVar variation 453037 (VCV000453037.2), dbSNP rs1557034745, ClinGen allele CA658658995.

ClinVar aggregate classification (germline): Uncertain significance (1 of 4 stars; one submission).

Submission:

GeneDx
Classification: Uncertain significance. Last evaluated: 2017-10-18. Review status: criteria provided, single submitter. Criteria: GeneDx Variant Classification (06012015). Collection method: clinical testing. Allele origin: germline. Affected: yes.
Comment: The c.470delC variant in the HUWE1 gene has not been reported previously as a pathogenic variant nor as a benign variant, to our knowledge. The c.470delC variant causes a frameshift starting with codon Proline 158, changes this amino acid to an Arginine residue, and creates a premature Stop codon at position 3 of the new reading frame, denoted p.Pro158ArgfsX3. This variant is predicted to cause loss of normal protein function either through protein truncation or nonsense-mediated mRNA decay. The c.470delC variant is not observed in large population cohorts (Lek et al., 2016). We interpret c.470delC as a variant of uncertain significance.